The following is an entry in ClinVar:

ClinVar aggregate classification (germline): Uncertain significance. Review status: criteria provided, multiple submitters, no conflicts (2 of 4 stars). 2 submissions from 2 submitters: Uncertain significance (2). Last evaluated 2025-12-16.

Conditions:
Immunodeficiency, common variable, 4. Also called: ANTIBODY DEFICIENCY DUE TO BAFFR DEFECT. Identifiers: Orphanet 1572, Orphanet 696925, MedGen C3150739, MONDO:0013284, OMIM 613494.

Allele frequency attached by ClinVar (database versions not stated): ExAC 0.00001; TOPMed 0.00002.
gnomAD v4.1: 16 of 1,611,340 alleles (0.00099%); highest among the groups gnomAD compares: Admixed American, 0.0017%; no homozygotes.

Submissions (2):

Ambry Genetics
Classification: Uncertain significance. Last evaluated: 2025-12-16. Review status: criteria provided, single submitter. Criteria: Ambry Variant Classification Scheme 2023. Collection method: clinical testing. Allele origin: germline.

Labcorp Genetics (formerly Invitae), Labcorp
Classification: Uncertain significance for Immunodeficiency, common variable, 4. Last evaluated: 2024-09-16. Review status: criteria provided, single submitter. Criteria: Invitae Variant Classification Sherloc (09022015). Collection method: clinical testing. Allele origin: germline.
Comment: This sequence change replaces arginine, which is basic and polar, with cysteine, which is neutral and slightly polar, at codon 109 of the TNFRSF13C protein (p.Arg109Cys). This variant is present in population databases (rs776189874, gnomAD 0.003%). This variant has not been reported in the literature in individuals affected with TNFRSF13C-related conditions. ClinVar contains an entry for this variant (Variation ID: 657280). An algorithm developed to predict the effect of missense changes on protein structure and function outputs the following: PolyPhen-2: "Benign". The cysteine amino acid residue is found in multiple mammalian species, which suggests that this missense change does not adversely affect protein function. In summary, the available evidence is currently insufficient to determine the role of this variant in disease. Therefore, it has been classified as a Variant of Uncertain Significance.

NM_052945.4(TNFRSF13C):c.325C>T (p.Arg109Cys)

Genes: TNFRSF13C (TNF receptor superfamily member 13C; minus strand), LOC130067574 (ATAC-STARR-seq lymphoblastoid silent region 13813; plus strand). Cytogenetic location: 22q13.2.
Variant type: single nucleotide variant.
Coding change: c.325C>T on transcript NM_052945.4 (MANE Select); coding-DNA position 325, C replaced by T.
Protein change: p.Arg109Cys; replaces arginine 109 with cysteine.
Molecular consequence: missense variant.
Genome position (GRCh38, 1-based): chr22:41,926,143, G>A on the plus strand (C>T on the coding strand, the complement: TNFRSF13C is on the minus strand). VCF-style: chr22-41926143-G-A. GRCh37 (hg19) VCF-style: chr22-42322147-G-A.
Other names: short protein forms R109C.
Identifiers: ClinVar variation 657280 (VCV000657280.10), dbSNP rs776189874, ClinGen allele CA10262482.
Genomic context (GRCh38, chr22:41,926,143, plus strand): 5'-CCTACACACGGAACTCACCGTCCTTGTCTCCGTCGGGGGCCTCTGCGGAGGACGCGCCGC[G>A]AAGCCGCCGCTGTCGCCGCCTCCAGCTCACCAGACCCACCAGGACCAGCGCCAGGACCAG-3'
Protein context (NP_443177.1, residues 99-119): VSWRRRQRRL[Arg109Cys]GASSAEAPDG